The following is an entry in ClinVar:

NM_006208.3(ENPP1):c.2111C>T (p.Ser704Phe)

Gene: ENPP1 (ectonucleotide pyrophosphatase/phosphodiesterase 1; plus strand). Cytogenetic location: 6q23.2.
Variant type: single nucleotide variant.
Coding change: c.2111C>T on transcript NM_006208.3 (MANE Select); coding-DNA position 2111, C replaced by T.
Protein change: p.Ser704Phe; replaces serine 704 with phenylalanine.
Molecular consequence: missense variant.
Genome position (GRCh38, 1-based): chr6:131,882,355, C>T. VCF-style: chr6-131882355-C-T. GRCh37 (hg19) VCF-style: chr6-132203495-C-T.
Other names: short protein forms S704F.
Identifiers: ClinVar variation 2103293 (VCV002103293.6), dbSNP rs1658912715, ClinGen allele CA365653847.

ClinVar aggregate classification (germline): Uncertain significance. Review status: criteria provided, multiple submitters, no conflicts (2 of 4 stars). 3 submissions from 3 submitters: Uncertain significance (3). Last evaluated 2024-08-20.

Conditions:
Arterial calcification, generalized, of infancy, 1 (GACI1). Also called: Idiopathic Infantile Arterial Calcification. Identifiers: Orphanet 51608, MedGen C4551985, MONDO:0008817, OMIM 208000.
Type 2 diabetes mellitus. Also called: Type II diabetes mellitus. Identifiers: MedGen C0011860, MeSH D003924, MONDO:0005148, OMIM 125853, HP:0005978.
Hypophosphatemic rickets, autosomal recessive, 2 (ARHR2). Identifiers: Orphanet 289176, MedGen C2750078, MONDO:0013219, OMIM 613312.
Hypopigmentation-punctate palmoplantar keratoderma syndrome. Also called: GUTTATE HYPOPIGMENTATION AND PUNCTATE PALMOPLANTAR KERATODERMA WITH OR WITHOUT ECTOPIC CALCIFICATION; Cole disease. Identifiers: Orphanet 324561, MedGen C3809781, MONDO:0014227, OMIM 615522.
Inherited obesity. Also called: Monogenic Obesity. Identifiers: Orphanet 77828, MedGen C4054476, MONDO:0019182, OMIM 601665.

Submissions (3):

Blueprint Genetics
Classification: Uncertain significance. Last evaluated: 2024-08-20. Review status: criteria provided, single submitter. Criteria: ACMG Guidelines, 2015. Collection method: clinical testing. Allele origin: germline.

Fulgent Genetics
Classification: Uncertain significance for Type 2 diabetes mellitus; Arterial calcification, generalized, of infancy, 1; Inherited obesity; Hypophosphatemic rickets, autosomal recessive, 2; Hypopigmentation-punctate palmoplantar keratoderma syndrome. Last evaluated: 2024-02-25. Review status: criteria provided, single submitter. Criteria: ACMG Guidelines, 2015. Collection method: clinical testing. Allele origin: germline.

Labcorp Genetics (formerly Invitae), Labcorp
Classification: Uncertain significance. Last evaluated: 2022-04-21. Review status: criteria provided, single submitter. Criteria: Invitae Variant Classification Sherloc (09022015). Collection method: clinical testing. Allele origin: germline.
Comment: In summary, the available evidence is currently insufficient to determine the role of this variant in disease. Therefore, it has been classified as a Variant of Uncertain Significance. Algorithms developed to predict the effect of missense changes on protein structure and function output the following: SIFT: "Deleterious"; PolyPhen-2: "Benign"; Align-GVGD: "Class C0". The phenylalanine amino acid residue is found in multiple mammalian species, which suggests that this missense change does not adversely affect protein function. This variant has not been reported in the literature in individuals affected with ENPP1-related conditions. This variant is not present in population databases (gnomAD no frequency). This sequence change replaces serine, which is neutral and polar, with phenylalanine, which is neutral and non-polar, at codon 704 of the ENPP1 protein (p.Ser704Phe).